The following is an entry in ClinVar:

ClinVar aggregate classification (germline): Uncertain significance. Review status: criteria provided, multiple submitters, no conflicts (2 of 4 stars). 3 submissions from 3 submitters: Uncertain significance (3). Last evaluated 2026-01-27.

Conditions:
Primary ciliary dyskinesia. Also called: Ciliary dyskinesia. Identifiers: Orphanet 244, MedGen C0008780, MONDO:0016575, HP:0012265.
OFD1-related disorder. Also called: OFD1-related condition.
Joubert syndrome. Also called: Familial aplasia of the vermis; JOUBERT-BOLTSHAUSER SYNDROME. Identifiers: Orphanet 475, MedGen C5979921, MONDO:0018772.
Orofaciodigital syndrome I (OFD1). Also called: Oral-Facial-Digital Syndrome Type I; Papillon-Leage and Psaume Syndrome; OFDS I. Identifiers: Orphanet 2750, MedGen C1510460, MONDO:0010702, OMIM 311200.

Allele frequency attached by ClinVar (database versions not stated): gnomAD exomes below 0.00001 and 0.00001; ExAC 0.00001; gnomAD 0.00001; 1000 Genomes Project 30x 0.00021.
gnomAD v4.1: 2 of 1,209,672 alleles (0.00017%); highest among the groups gnomAD compares: Non-Finnish European, 0.00022%; no homozygotes.

Submissions (3):

PreventionGenetics, part of Exact Sciences
Classification: Uncertain significance for OFD1-related condition. Last evaluated: 2026-01-27. Review status: criteria provided, single submitter. Criteria: ACMG Guidelines, 2015. Collection method: clinical testing. Allele origin: germline.
Comment: The OFD1 c.2525G>C variant is predicted to result in the amino acid substitution p.Gly842Ala. To our knowledge, this variant has not been reported in the literature. This variant is reported in 0.0012% of alleles in individuals of European (Non-Finnish) descent in gnomAD. At this time, the clinical significance of this variant is uncertain due to the absence of conclusive functional and genetic evidence.

Labcorp Genetics (formerly Invitae), Labcorp
Classification: Uncertain significance for Orofaciodigital syndrome I; Joubert syndrome. Last evaluated: 2025-03-17. Review status: criteria provided, single submitter. Criteria: Invitae Variant Classification Sherloc (09022015). Collection method: clinical testing. Allele origin: germline.
Comment: This sequence change replaces glycine, which is neutral and non-polar, with alanine, which is neutral and non-polar, at codon 842 of the OFD1 protein (p.Gly842Ala). This variant is present in population databases (rs201180146, gnomAD 0.001%). This variant has not been reported in the literature in individuals affected with OFD1-related conditions. ClinVar contains an entry for this variant (Variation ID: 1522157). Invitae Evidence Modeling of protein sequence and biophysical properties (such as structural, functional, and spatial information, amino acid conservation, physicochemical variation, residue mobility, and thermodynamic stability) indicates that this missense variant is not expected to disrupt OFD1 protein function with a negative predictive value of 80%. In summary, the available evidence is currently insufficient to determine the role of this variant in disease. Therefore, it has been classified as a Variant of Uncertain Significance.

Ambry Genetics
Classification: Uncertain significance for Primary ciliary dyskinesia. Last evaluated: 2025-03-04. Review status: criteria provided, single submitter. Criteria: Ambry Variant Classification Scheme 2023. Collection method: clinical testing. Allele origin: germline.
Comment: The p.G842A variant (also known as c.2525G>C), located in coding exon 19 of the OFD1 gene, results from a G to C substitution at nucleotide position 2525. The glycine at codon 842 is replaced by alanine, an amino acid with similar properties. This amino acid position is conserved. In addition, this alteration is predicted to be tolerated by in silico analysis. Based on the available evidence, the clinical significance of this variant remains unclear.

NM_003611.3(OFD1):c.2525G>C (p.Gly842Ala)

Gene: OFD1 (OFD1 centriole and centriolar satellite protein; plus strand). Cytogenetic location: Xp22.2.
Variant type: single nucleotide variant.
Coding change: c.2525G>C on transcript NM_003611.3 (MANE Select); coding-DNA position 2525, G replaced by C.
Protein change: p.Gly842Ala; replaces glycine 842 with alanine.
Molecular consequence: missense variant.
Genome position (GRCh38, 1-based): chrX:13,763,781, G>C. VCF-style: chrX-13763781-G-C. GRCh37 (hg19) VCF-style: chrX-13781900-G-C.
Other names: c.2525G>C (NM_003611.2); c.2405G>C, p.Gly802Ala (NM_001330209.2); c.2105G>C, p.Gly702Ala (NM_001330210.2); short protein forms G802A, G842A, G702A.
Identifiers: ClinVar variation 1522157 (VCV001522157.9), dbSNP rs201180146, ClinGen allele CA10352033.